The following is an entry in ClinVar:

NM_001111125.3(IQSEC2):c.3015+14G>C

Gene: IQSEC2 (IQ motif and Sec7 domain ArfGEF 2; minus strand). Cytogenetic location: Xp11.22.
Variant type: single nucleotide variant.
Coding change: c.3015+14G>C on transcript NM_001111125.3 (MANE Select); 14 bases into the intron after coding-DNA position 3015, G replaced by C.
Molecular consequence: intron variant.
Genome position (GRCh38, 1-based): chrX:53,241,770, C>G on the plus strand (G>C on the coding strand, the complement: IQSEC2 is on the minus strand). VCF-style: chrX-53241770-C-G. GRCh37 (hg19) VCF-style: chrX-53270952-C-G.
Other names: c.2400+14G>C (NM_015075.2).
Identifiers: ClinVar variation 383103 (VCV000383103.11), dbSNP rs189183148, ClinGen allele CA10419862.

ClinVar aggregate classification (germline): Benign/Likely benign. Review status: criteria provided, multiple submitters, no conflicts (2 of 4 stars). 4 submissions from 4 submitters: Benign (3); Likely benign (1). Last evaluated 2026-01-28.

Conditions:
Intellectual developmental disorder, X-linked 1. Also called: Intellectual disability, X-linked 1; MENTAL RETARDATION, X-LINKED 18; MENTAL RETARDATION, X-LINKED 78; Atkin Flaitz Patil Smith syndrome. Identifiers: Orphanet 777, MedGen C2931498, MONDO:0010656, OMIM 309530.

Allele frequency attached by ClinVar (database versions not stated): 1000 Genomes Project 30x 0.00437; gnomAD 0.00462; ESP Exome Variant Server 0.00644; 1000 Genomes Project 0.00477; TOPMed 0.00522.
gnomAD v4.1: 984 of 1,209,458 alleles (0.081%); highest among the groups gnomAD compares: African/African-American, 1.5%; 7 homozygotes.

Submissions (4):

Labcorp Genetics (formerly Invitae), Labcorp
Classification: Benign for Intellectual developmental disorder, X-linked 1. Last evaluated: 2026-01-28. Review status: criteria provided, single submitter. Criteria: Invitae Variant Classification Sherloc (09022015). Collection method: clinical testing. Allele origin: germline.

ARUP Laboratories, Molecular Genetics and Genomics, ARUP Laboratories
Classification: Benign for Intellectual developmental disorder, X-linked 1. Last evaluated: 2025-04-30. Review status: criteria provided, single submitter. Criteria: ARUP Molecular Germline Variant Investigation Process 2024. Collection method: clinical testing. Allele origin: germline.

Blueprint Genetics
Classification: Likely benign. Last evaluated: 2024-11-01. Review status: criteria provided, single submitter. Criteria: ACMG Guidelines, 2015. Collection method: clinical testing. Allele origin: germline.

GeneDx
Classification: Benign. Last evaluated: 2016-03-03. Review status: criteria provided, single submitter. Criteria: GeneDx Variant Classification (06012015). Collection method: clinical testing. Allele origin: germline. Affected: yes.
Comment: This variant is considered likely benign or benign based on one or more of the following criteria: it is a conservative change, it occurs at a poorly conserved position in the protein, it is predicted to be benign by multiple in silico algorithms, and/or has population frequency not consistent with disease.